The following is an entry in ClinVar:

NM_000398.7(CYB5R3):c.436A>G (p.Ser146Gly)

Gene: CYB5R3 (cytochrome b5 reductase 3; minus strand). Cytogenetic location: 22q13.2.
Variant type: single nucleotide variant.
Coding change: c.436A>G on transcript NM_000398.7 (MANE Select); coding-DNA position 436, A replaced by G.
Protein change: p.Ser146Gly; replaces serine 146 with glycine.
Molecular consequence: missense variant.
Genome position (GRCh38, 1-based): chr22:42,628,179, T>C on the plus strand (A>G on the coding strand, the complement: CYB5R3 is on the minus strand). VCF-style: chr22-42628179-T-C. GRCh37 (hg19) VCF-style: chr22-43024185-T-C.
Other names: c.436A>G, p.Ser146Gly (NM_001031678.1); c.367A>G, p.Ser123Gly (NM_001129819.2, NM_001171661.1, NM_007326.4); c.535A>G, p.Ser179Gly (NM_001171660.2); short protein forms S123G, S179G, S146G.
Identifiers: ClinVar variation 2390021 (VCV002390021.3), dbSNP rs765970420, ClinGen allele CA10269760.

ClinVar aggregate classification (germline): Conflicting classifications of pathogenicity. Review status: criteria provided, conflicting classifications (1 of 4 stars). 2 submissions from 2 submitters: Uncertain significance (1); Likely benign (1). Last evaluated 2026-01-08.

Conditions:
Inborn genetic diseases. Identifiers: MedGen C0950123, MeSH D030342.

Allele frequency attached by ClinVar (database versions not stated): TOPMed below 0.00001; gnomAD 0.00002; gnomAD exomes 0.00008; ExAC 0.00012.
gnomAD v4.1: 113 of 1,613,972 alleles (0.007%); highest among the groups gnomAD compares: South Asian, 0.12%; 1 homozygote.

Submissions (2):

Labcorp Genetics (formerly Invitae), Labcorp
Classification: Likely benign. Last evaluated: 2026-01-08. Review status: criteria provided, single submitter. Criteria: Invitae Variant Classification Sherloc (09022015). Collection method: clinical testing. Allele origin: germline.

Ambry Genetics
Classification: Uncertain significance for Inborn genetic diseases. Last evaluated: 2021-01-27. Review status: criteria provided, single submitter. Criteria: Ambry Variant Classification Scheme 2023. Collection method: clinical testing. Allele origin: germline.
Comment: The c.436A>G (p.S146G) alteration is located in exon 5 (coding exon 5) of the CYB5R3 gene. This alteration results from a A to G substitution at nucleotide position 436, causing the serine (S) at amino acid position 146 to be replaced by a glycine (G). The p.S146G alteration is predicted to be tolerated by in silico analysis. Based on insufficient or conflicting evidence, the clinical significance of this alteration remains unclear.